The following is an entry in ClinVar:

NM_001005361.3(DNM2):c.1372C>G (p.Arg458Gly)

Gene: DNM2 (dynamin 2; plus strand). Cytogenetic location: 19p13.2.
Variant type: single nucleotide variant.
Coding change: c.1372C>G on transcript NM_001005361.3 (MANE Select); coding-DNA position 1372, C replaced by G.
Protein change: p.Arg458Gly; replaces arginine 458 with glycine.
Molecular consequence: missense variant.
Genome position (GRCh38, 1-based): chr19:10,798,522, C>G. VCF-style: chr19-10798522-C-G. GRCh37 (hg19) VCF-style: chr19-10909198-C-G.
Other names: c.1372C>G, p.Arg458Gly (NM_001005360.3, NM_001005362.3, NM_001190716.2 and 1 more transcripts); short protein forms R458G.
Identifiers: ClinVar variation 652220 (VCV000652220.11), dbSNP rs745748213, ClinGen allele CA9201132.

ClinVar aggregate classification (germline): Uncertain significance. Review status: criteria provided, multiple submitters, no conflicts (2 of 4 stars). 4 submissions from 4 submitters: Uncertain significance (4). Last evaluated 2025-02-16.

Conditions:
Charcot-Marie-Tooth disease dominant intermediate B (CMTDIB). Also called: CHARCOT-MARIE-TOOTH NEUROPATHY, DOMINANT INTERMEDIATE B; Charcot-Marie-Tooth disease dominant intermediate 1; CMT DI1; Charcot-Marie-Tooth disease dominant intermediate I. Identifiers: Orphanet 100044, Orphanet 228179, MedGen C1847902, MONDO:0011674, OMIM 606482.
Inborn genetic diseases. Identifiers: MedGen C0950123, MeSH D030342.

Allele frequency attached by ClinVar (database versions not stated): gnomAD 0.00003; ExAC 0.00004.
gnomAD v4.1: 21 of 1,614,060 alleles (0.0013%); highest among the groups gnomAD compares: Non-Finnish European, 0.0012%; no homozygotes.

Submissions (4):

Laboratory of Genetics, Children's Clinical University Hospital Latvia
Classification: Uncertain significance. Last evaluated: 2025-02-16. Review status: criteria provided, single submitter. Criteria: ACMG Guidelines, 2015. Collection method: clinical testing. Allele origin: germline. Affected: yes.

Labcorp Genetics (formerly Invitae), Labcorp
Classification: Uncertain significance for Charcot-Marie-Tooth disease dominant intermediate B. Last evaluated: 2024-03-02. Review status: criteria provided, single submitter. Criteria: Invitae Variant Classification Sherloc (09022015). Collection method: clinical testing. Allele origin: germline.
Comment: This sequence change replaces arginine, which is basic and polar, with glycine, which is neutral and non-polar, at codon 458 of the DNM2 protein (p.Arg458Gly). This variant is present in population databases (rs745748213, gnomAD 0.003%). This variant has not been reported in the literature in individuals affected with DNM2-related conditions. ClinVar contains an entry for this variant (Variation ID: 652220). Advanced modeling of protein sequence and biophysical properties (such as structural, functional, and spatial information, amino acid conservation, physicochemical variation, residue mobility, and thermodynamic stability) has been performed at Invitae for this missense variant, however the output from this modeling did not meet the statistical confidence thresholds required to predict the impact of this variant on DNM2 protein function. In summary, the available evidence is currently insufficient to determine the role of this variant in disease. Therefore, it has been classified as a Variant of Uncertain Significance.

Blueprint Genetics
Classification: Uncertain significance. Last evaluated: 2023-12-22. Review status: criteria provided, single submitter. Criteria: ACMG Guidelines, 2015. Collection method: clinical testing. Allele origin: germline.

Ambry Genetics
Classification: Uncertain significance for Inborn genetic diseases. Last evaluated: 2023-10-20. Review status: criteria provided, single submitter. Criteria: Ambry Variant Classification Scheme 2023. Collection method: clinical testing. Allele origin: germline.